The following is an entry in ClinVar:

NM_005228.5(EGFR):c.463G>T (p.Ala155Ser)

Gene: EGFR (epidermal growth factor receptor; plus strand). Cytogenetic location: 7p11.2.
Variant type: single nucleotide variant.
Coding change: c.463G>T on transcript NM_005228.5 (MANE Select); coding-DNA position 463, G replaced by T.
Protein change: p.Ala155Ser; replaces alanine 155 with serine.
Molecular consequence: missense variant. On other transcripts: intron variant (3).
Genome position (GRCh38, 1-based): chr7:55,146,644, G>T. VCF-style: chr7-55146644-G-T. GRCh37 (hg19) VCF-style: chr7-55214337-G-T.
Other names: c.463G>T, p.Ala155Ser (NM_001346898.2, NM_201282.2, NM_201283.2 and 1 more transcripts); c.304G>T, p.Ala102Ser (NM_001346900.2); c.424+3156G>T (NM_001346899.2, NM_001346897.2); c.89-9186G>T (NM_001346941.2); short protein forms A155S, A102S.
Identifiers: ClinVar variation 4247320 (VCV004247320.1).

ClinVar aggregate classification (germline): Uncertain significance (1 of 4 stars; one submission).

Conditions:
Hereditary cancer-predisposing syndrome. Also called: Hereditary Cancer Syndrome; Hereditary neoplastic syndrome; Neoplastic Syndromes, Hereditary; Tumor predisposition. Identifiers: Orphanet 140162, MedGen C0027672, MeSH D009386, MONDO:0015356.

gnomAD v4.1: 1 of 1,613,966 alleles (0.000062%); highest among the groups gnomAD compares: Non-Finnish European, 0.000085%; no homozygotes.

Submission:

Ambry Genetics
Classification: Uncertain significance for Hereditary cancer-predisposing syndrome. Last evaluated: 2025-07-29. Review status: criteria provided, single submitter. Criteria: Ambry Variant Classification Scheme 2023. Collection method: clinical testing. Allele origin: germline.
Comment: The p.A155S variant (also known as c.463G>T), located in coding exon 4 of the EGFR gene, results from a G to T substitution at nucleotide position 463. The alanine at codon 155 is replaced by serine, an amino acid with similar properties. This amino acid position is conserved. In addition, this alteration is predicted to be tolerated by in silico analysis. Based on the available evidence, the clinical significance of this variant remains unclear.